The following is an entry in ClinVar:

ClinVar aggregate classification (germline): Uncertain significance (1 of 4 stars; one submission).

Conditions:
Epileptic encephalopathy. Identifiers: MedGen C0543888, HP:0200134.

Submission:

Labcorp Genetics (formerly Invitae), Labcorp
Classification: Uncertain significance for Epileptic encephalopathy. Last evaluated: 2017-10-24. Review status: criteria provided, single submitter. Criteria: Invitae Variant Classification Sherloc (09022015). Collection method: clinical testing. Allele origin: germline.
Comment: This variant is not present in population databases (ExAC no frequency). This variant has not been reported in the literature in individuals with FASN-related disease. The current clinical and genetic evidence is not sufficient to establish whether loss-of-function variants in FASN cause disease. In summary, the available evidence is currently insufficient to determine the role of this variant in disease. Therefore, it has been classified as a Variant of Uncertain Significance. This sequence change creates a premature translational stop signal (p.Ser1437Phefs*88) in the FASN gene. It is expected to result in an absent or disrupted protein product.

NM_004104.5(FASN):c.4310_4311del (p.Ser1437fs)

Gene: FASN (fatty acid synthase; minus strand). Cytogenetic location: 17q25.3.
Variant type: Microsatellite.
Coding change: c.4310_4311del on transcript NM_004104.5 (MANE Select); coding-DNA positions 4310 to 4311, 2 bases deleted (CT; older notation c.4310_4311delCT).
Protein change: p.Ser1437fs; shifts the reading frame from serine 1437.
Molecular consequence: frameshift variant.
Genome position (GRCh38, 1-based): chr17:82,085,133-82,085,134, AG deleted on the plus strand (CT on the coding strand, the reverse complement: FASN is on the minus strand); deleting any 2 consecutive bases within chr17:82,085,133-82,085,136 gives the same sequence; the c. name uses the placement nearest the transcript's 3' end. VCF-style (leftmost placement, unchanged base first): chr17-82085132-AAG-A. GRCh37 (hg19) VCF-style: chr17-80043008-AAG-A.
Other names: short protein forms S1437fs.
Identifiers: ClinVar variation 530991 (VCV000530991.6), dbSNP rs1555667112, ClinGen allele CA658798983.